The following is an entry in ClinVar:

NM_001291303.3(FAT4):c.9425A>G (p.Asn3142Ser)

Gene: FAT4 (FAT atypical cadherin 4; plus strand). Cytogenetic location: 4q28.1.
Variant type: single nucleotide variant.
Coding change: c.9425A>G on transcript NM_001291303.3 (MANE Select); coding-DNA position 9425, A replaced by G.
Protein change: p.Asn3142Ser; replaces asparagine 3142 with serine.
Molecular consequence: missense variant.
Genome position (GRCh38, 1-based): chr4:125,450,435, A>G. VCF-style: chr4-125450435-A-G. GRCh37 (hg19) VCF-style: chr4-126371590-A-G.
Other names: c.9425A>G, p.Asn3142Ser (NM_001291285.3); c.9419A>G, p.Asn3140Ser (NM_024582.6); short protein forms N3142S, N3140S.
Identifiers: ClinVar variation 1486842 (VCV001486842.7), dbSNP rs2126059432, ClinGen allele CA358152027.
Genomic context (GRCh38, chr4:125,450,435, plus strand): 5'-TGAATGGCTTGATTAAGTACAGCATTTCTTCAGGAAATGAAGAAGGCATTTTTGCAATCA[A>G]TTCTTCTACAGGTATATTAACACTAGCCAAAGCTCTTGATTATGAGCTATGCCAGAAACA-3'
Protein context (NP_001278232.1, residues 3132-3152): SGNEEGIFAI[Asn3142Ser]SSTGILTLAK

ClinVar aggregate classification (germline): Uncertain significance. Review status: criteria provided, multiple submitters, no conflicts (2 of 4 stars). 2 submissions from 2 submitters: Uncertain significance (2). Last evaluated 2026-07-01.

Allele frequency attached by ClinVar (database versions not stated): gnomAD exomes 0.00002.
gnomAD v4.1: 27 of 1,614,098 alleles (0.0017%); highest among the groups gnomAD compares: East Asian, 0.0022%; no homozygotes.

Submissions (2):

CeGaT Center for Human Genetics Tuebingen
Classification: Uncertain significance. Last evaluated: 2026-07-01. Review status: criteria provided, single submitter. Criteria: CeGaT Center For Human Genetics Tuebingen Variant Classification Criteria Version 2. Collection method: clinical testing. Allele origin: germline. Affected: yes. Observed: 1 variant allele.
Comment: FAT4: PM2, BP4

Labcorp Genetics (formerly Invitae), Labcorp
Classification: Uncertain significance. Last evaluated: 2021-02-09. Review status: criteria provided, single submitter. Criteria: Invitae Variant Classification Sherloc (09022015). Collection method: clinical testing. Allele origin: germline.
Comment: In summary, the available evidence is currently insufficient to determine the role of this variant in disease. Therefore, it has been classified as a Variant of Uncertain Significance. Algorithms developed to predict the effect of sequence changes on RNA splicing suggest that this variant may create or strengthen a splice site, but this prediction has not been confirmed by published transcriptional studies. Advanced modeling of protein sequence and biophysical properties (such as structural, functional, and spatial information, amino acid conservation, physicochemical variation, residue mobility, and thermodynamic stability) performed at Invitae indicates that this missense variant is not expected to disrupt FAT4 protein function. This variant has not been reported in the literature in individuals with FAT4-related conditions. This variant is not present in population databases (ExAC no frequency). This sequence change replaces asparagine with serine at codon 3140 of the FAT4 protein (p.Asn3140Ser). The asparagine residue is highly conserved and there is a small physicochemical difference between asparagine and serine.